The following is an entry in ClinVar:

NM_001367624.2(ZNF469):c.9063dup (p.Ser3022fs)

Gene: ZNF469 (zinc finger protein 469; plus strand). Cytogenetic location: 16q24.2.
Variant type: Duplication.
Coding change: c.9063dup on transcript NM_001367624.2 (MANE Select); coding-DNA position 9063, one base duplicated (C; older notation c.9063dupC).
Protein change: p.Ser3022fs; shifts the reading frame from serine 3022.
Molecular consequence: frameshift variant.
Genome position (GRCh38, 1-based): chr16:88,436,533, C duplicated; the last of 6 consecutive C bases (chr16:88,436,528-88,436,533); duplicating any one gives the same sequence. VCF-style (leftmost placement, unchanged base first): chr16-88436527-G-GC. GRCh37 (hg19) VCF-style: chr16-88502935-G-GC.
Other names: short protein forms S3022fs.
Identifiers: ClinVar variation 2862348 (VCV002862348.5), dbSNP rs1319938948, ClinGen allele CA624447620.

ClinVar aggregate classification (germline): Pathogenic/Likely pathogenic. Review status: criteria provided, multiple submitters, no conflicts (2 of 4 stars). 2 submissions from 2 submitters: Pathogenic (1); Likely pathogenic (1). Last evaluated 2026-05-01.

Submissions (2):

CeGaT Center for Human Genetics Tuebingen
Classification: Likely pathogenic. Last evaluated: 2026-05-01. Review status: criteria provided, single submitter. Criteria: CeGaT Center For Human Genetics Tuebingen Variant Classification Criteria Version 2. Collection method: clinical testing. Allele origin: germline. Affected: yes. Observed: 1 variant allele.
Comment: ZNF469: PVS1:Strong, PM2

Labcorp Genetics (formerly Invitae), Labcorp
Classification: Pathogenic. Last evaluated: 2024-10-22. Review status: criteria provided, single submitter. Criteria: Invitae Variant Classification Sherloc (09022015). Collection method: clinical testing. Allele origin: germline.
Comment: This sequence change creates a premature translational stop signal (p.Ser2994Glnfs*8) in the ZNF469 gene. While this is not anticipated to result in nonsense mediated decay, it is expected to disrupt the last 932 amino acid(s) of the ZNF469 protein. This variant is present in population databases (no rsID available, gnomAD 0.003%). This variant has not been reported in the literature in individuals affected with ZNF469-related conditions. This variant disrupts a region of the ZNF469 protein in which other variant(s) (p.Arg3414Glyfs*59) have been determined to be pathogenic (PMID: 32671420). This suggests that this is a clinically significant region of the protein, and that variants that disrupt it are likely to be disease-causing. For these reasons, this variant has been classified as Pathogenic.

Literature cited by the submitters: PubMed 32671420 (cited by Labcorp Genetics (formerly Invitae), Labcorp).